The following is an entry in ClinVar:

ClinVar aggregate classification (germline): Benign/Likely benign. Review status: criteria provided, multiple submitters, no conflicts (2 of 4 stars). 6 submissions from 6 submitters: Benign (2); Likely benign (3). 1 of the submissions does not count toward it. Last evaluated 2026-02-04.

Conditions:
ZFYVE26-related disorder. Also called: ZFYVE26-related condition.
Hereditary spastic paraplegia. Also called: Familial spastic paraparesis. Identifiers: Orphanet 685, MedGen C0037773, MONDO:0019064. Disease mechanism: loss of function.
Hereditary spastic paraplegia 15 (SPG15). Also called: SPASTIC PARAPLEGIA 15, AUTOSOMAL RECESSIVE; KJELLIN SYNDROME; SPASTIC PARAPLEGIA AND RETINAL DEGENERATION. Identifiers: Orphanet 100996, MedGen C1849128, MONDO:0010044, OMIM 270700.
Spastic paraplegia. Identifiers: MedGen C0037772, HP:0001258.

Allele frequency attached by ClinVar (database versions not stated): gnomAD 0.00004 and 0.00097; TOPMed 0.00023; gnomAD exomes 0.00155 and 0.00320; ExAC 0.00381; 1000 Genomes Project 30x 0.00578; 1000 Genomes Project 0.00699.
gnomAD v4.1: 2,420 of 1,613,742 alleles (0.15%); highest among the groups gnomAD compares: South Asian, 2.5%; 56 homozygotes.

Submissions (6):

Labcorp Genetics (formerly Invitae), Labcorp
Classification: Benign for Spastic paraplegia. Last evaluated: 2026-02-04. Review status: criteria provided, single submitter. Criteria: Invitae Variant Classification Sherloc (09022015). Collection method: clinical testing. Allele origin: germline.

Blueprint Genetics
Classification: Likely benign. Last evaluated: 2024-11-18. Review status: criteria provided, single submitter. Criteria: ACMG Guidelines, 2015. Collection method: clinical testing. Allele origin: germline.

Genome-Nilou Lab
Classification: Benign for Hereditary spastic paraplegia 15. Last evaluated: 2021-12-05. Review status: criteria provided, single submitter. Criteria: ACMG Guidelines, 2015. Collection method: clinical testing. Allele origin: germline. Affected: no.

Genome Diagnostics Laboratory, The Hospital for Sick Children
Classification: Likely benign for Hereditary spastic paraplegia. Last evaluated: 2021-01-22. Review status: criteria provided, single submitter. Criteria: ACMG Guidelines, 2015. Collection method: clinical testing. Allele origin: germline. Affected: yes.

Illumina Laboratory Services, Illumina
Classification: Likely benign for Hereditary spastic paraplegia 15. Last evaluated: 2018-01-13. Review status: criteria provided, single submitter. Criteria: ICSL Variant Classification Criteria 13 December 2019. Collection method: clinical testing. Allele origin: germline.
Comment: This variant was observed in the ICSL laboratory as part of a predisposition screen in an ostensibly healthy population. It had not been previously curated by ICSL or reported in the Human Gene Mutation Database (HGMD: prior to June 1st, 2018), and was therefore a candidate for classification through an automated scoring system. Utilizing variant allele frequency, disease prevalence and penetrance estimates, and inheritance mode, an automated score was calculated to assess if this variant is too frequent to cause the disease. Based on the score and internal cut-off values, a variant classified as likely benign is not then subjected to further curation. The score for this variant resulted in a classification of likely benign for this disease.

PreventionGenetics, part of Exact Sciences
Classification: Benign for ZFYVE26-related condition. Last evaluated: 2019-07-17. Review status: no assertion criteria provided. Collection method: clinical testing. Allele origin: germline. Not counted in ClinVar's aggregate classification.
Comment: This variant is classified as benign based on ACMG/AMP sequence variant interpretation guidelines (Richards et al. 2015 PMID: 25741868, with internal and published modifications).

NM_015346.4(ZFYVE26):c.1597G>A (p.Ala533Thr)

Gene: ZFYVE26 (zinc finger FYVE-type containing 26; minus strand). Cytogenetic location: 14q24.1.
Variant type: single nucleotide variant.
Coding change: c.1597G>A on transcript NM_015346.4 (MANE Select); coding-DNA position 1597, G replaced by A.
Protein change: p.Ala533Thr; replaces alanine 533 with threonine.
Molecular consequence: missense variant.
Genome position (GRCh38, 1-based): chr14:67,802,121, C>T on the plus strand (G>A on the coding strand, the complement: ZFYVE26 is on the minus strand). VCF-style: chr14-67802121-C-T. GRCh37 (hg19) VCF-style: chr14-68268838-C-T.
Other names: short protein forms A533T.
Identifiers: ClinVar variation 697054 (VCV000697054.21), dbSNP rs551062468, ClinGen allele CA7240493.